The following is an entry in ClinVar:

ClinVar aggregate classification (germline): Uncertain significance (1 of 4 stars; one submission).

Conditions:
Autosomal recessive limb-girdle muscular dystrophy type 2Q (LGMDR17). Also called: MUSCULAR DYSTROPHY, LIMB-GIRDLE, AUTOSOMAL RECESSIVE 17. Identifiers: Orphanet 254361, MedGen C3150989, MONDO:0013390, OMIM 613723.
Epidermolysis bullosa simplex 5B, with muscular dystrophy (EBS5B). Also called: EPIDERMOLYSIS BULLOSA SIMPLEX AND LIMB-GIRDLE MUSCULAR DYSTROPHY; Epidermolysis bullosa simplex with muscular dystrophy. Identifiers: Orphanet 257, MedGen C2931072, MONDO:0009181, OMIM 226670.
Epidermolysis bullosa simplex, Ogna type (EBS5A). Also called: Pidermolysis bullosa simplex 5A, Ogna type; EPIDERMOLYSIS BULLOSA SIMPLEX 5A, OGNA TYPE. Identifiers: Orphanet 79401, MedGen C0432317, MONDO:0007555, OMIM 131950.
Epidermolysis bullosa simplex with nail dystrophy (EBS5D). Identifiers: MedGen C4225309, MONDO:0014661, OMIM 616487.
Epidermolysis bullosa simplex 5C, with pyloric atresia (EBS5C). Also called: Epidermolysis bullosa simplex with pyloric atresia; PLEC1-Related Epidermolysis Bullosa with Pyloric Atresia; PLEC-Related Epidermolysis Bullosa with Pyloric Atresia. Identifiers: Orphanet 158684, MedGen C2677349, MONDO:0012807, OMIM 612138.

Submission:

Labcorp Genetics (formerly Invitae), Labcorp
Classification: Uncertain significance for Autosomal recessive limb-girdle muscular dystrophy type 2Q; Epidermolysis bullosa simplex, Ogna type; Epidermolysis bullosa simplex with nail dystrophy; Epidermolysis bullosa simplex 5C, with pyloric atresia; Epidermolysis bullosa simplex 5B, with muscular dystrophy. Last evaluated: 2021-04-12. Review status: criteria provided, single submitter. Criteria: Invitae Variant Classification Sherloc (09022015). Collection method: clinical testing. Allele origin: germline.
Comment: In summary, the available evidence is currently insufficient to determine the role of this variant in disease. Therefore, it has been classified as a Variant of Uncertain Significance. Algorithms developed to predict the effect of missense changes on protein structure and function are either unavailable or do not agree on the potential impact of this missense change (SIFT: "Tolerated"; PolyPhen-2: "Possibly Damaging"; Align-GVGD: "Class C0"). This variant has not been reported in the literature in individuals with PLEC-related conditions. This variant is not present in population databases (ExAC no frequency). This sequence change replaces glutamic acid with aspartic acid at codon 2501 of the PLEC protein (p.Glu2501Asp). The glutamic acid residue is highly conserved and there is a small physicochemical difference between glutamic acid and aspartic acid.

NM_201384.3(PLEC):c.7422G>C (p.Glu2474Asp)

Gene: PLEC (plectin; minus strand). Cytogenetic location: 8q24.3.
Variant type: single nucleotide variant.
Coding change: c.7422G>C on transcript NM_201384.3 (MANE Select); coding-DNA position 7422, G replaced by C.
Protein change: p.Glu2474Asp; replaces glutamic acid 2474 with aspartic acid.
Molecular consequence: missense variant.
Genome position (GRCh38, 1-based): chr8:143,922,507, C>G on the plus strand (G>C on the coding strand, the complement: PLEC is on the minus strand). VCF-style: chr8-143922507-C-G. GRCh37 (hg19) VCF-style: chr8-144996675-C-G.
Other names: c.7503G>C, p.Glu2501Asp (NM_000445.5); c.7380G>C, p.Glu2460Asp (NM_201378.4); c.7356G>C, p.Glu2452Asp (NM_201379.3); c.7833G>C, p.Glu2611Asp (NM_201380.4); c.7326G>C, p.Glu2442Asp (NM_201381.3); c.7422G>C, p.Glu2474Asp (NM_201382.4); c.7434G>C, p.Glu2478Asp (NM_201383.3); short protein forms E2460D, E2474D, E2611D, E2442D, E2478D, E2452D, E2501D.
Identifiers: ClinVar variation 1482136 (VCV001482136.8), dbSNP rs1554689770, ClinGen allele CA372525543.